The following is an entry in ClinVar:

ClinVar aggregate classification (germline): Conflicting classifications of pathogenicity. Review status: criteria provided, conflicting classifications (1 of 4 stars). 3 submissions from 3 submitters: Likely pathogenic (1); Uncertain significance (2). Last evaluated 2025-01-06.

Conditions:
Lafora disease. Also called: Epilepsy progressive myoclonic 2. Identifiers: Orphanet 501, MedGen C0751783, MONDO:0009697.
Progressive myoclonic epilepsy. Also called: Familial progressive myoclonic epilepsy; Myoclonic Epilepsies, Progressive; Myoclonus epilepsy; Progressive myoclonus epilepsy. Identifiers: Orphanet 308, Orphanet 98261, MedGen C0751778, MONDO:0020074.

Allele frequency attached by ClinVar (database versions not stated): gnomAD exomes 0.00002; ExAC 0.00004.
gnomAD v4.1: 23 of 1,614,070 alleles (0.0014%); highest among the groups gnomAD compares: Non-Finnish European, 0.0018%; no homozygotes.

Submissions (3):

Broad Center for Mendelian Genomics, Broad Institute of MIT and Harvard
Classification: Uncertain significance for Lafora disease. Last evaluated: 2025-01-06. Review status: criteria provided, single submitter. Criteria: ACMG Guidelines, 2015. Collection method: curation. Allele origin: germline. Inheritance: Autosomal recessive inheritance.
Comment: The p.Asn163Asp variant in EPM2A has been reported in three individuals with Lafora disease (PMID: 30041081, 29907606, 34195479), and has been identified in 0.003% (1/33478) of African/African American chromosomes by the Genome Aggregation Database (gnomAD; dbSNP ID: rs777767978). Although this variant has been seen in the general population in a heterozygous state, its frequency is low enough to be consistent with a recessive carrier frequency. This variant has also been reported in ClinVar (Variation ID: 373201) and has been interpreted as likely pathogenic by GeneDx and as a variant of uncertain significance by Invitae. Of the three affected individuals, at least one was a compound heterozygote that carried a reported pathogenic variant in trans, which increases the likelihood that the p.Asn163Asp variant is pathogenic (Variation ID: 3101; PMID: 30041081). In vitro functional studies provide some evidence that the p.Asn163Asp variant may slightly impact protein function (PMID: 30041081). However, these types of assays may not accurately represent biological function. Computational prediction tools, including splice predictors, and conservation analyses suggest that this variant may not impact the protein, though this information is not predictive enough to rule out pathogenicity. The phenotype of an individual compound heterozygous for this variant is highly specific for Lafora disease based on biopsies showing Lafora bodies consistent with disease (PMID: 30041081). In summary, while there is some suspicion for a pathogenic role, the clinical significance of this variant is uncertain. ACMG/AMP Criteria applied: PM3, PP4, PM2_supporting, PS3_supporting, BP4 (Richards 2015).

Labcorp Genetics (formerly Invitae), Labcorp
Classification: Uncertain significance for Progressive myoclonic epilepsy. Last evaluated: 2022-06-15. Review status: criteria provided, single submitter. Criteria: Invitae Variant Classification Sherloc (09022015). Collection method: clinical testing. Allele origin: germline.
Comment: This sequence change replaces asparagine, which is neutral and polar, with aspartic acid, which is acidic and polar, at codon 163 of the EPM2A protein (p.Asn163Asp). This variant is present in population databases (rs777767978, gnomAD 0.004%). This missense change has been observed in individual(s) with Lafora disease (PMID: 30041081). ClinVar contains an entry for this variant (Variation ID: 373201). Algorithms developed to predict the effect of missense changes on protein structure and function (SIFT, PolyPhen-2, Align-GVGD) all suggest that this variant is likely to be tolerated. Experimental studies have shown that this missense change affects EPM2A function (PMID: 30041081). Algorithms developed to predict the effect of sequence changes on RNA splicing suggest that this variant may create or strengthen a splice site. In summary, the available evidence is currently insufficient to determine the role of this variant in disease. Therefore, it has been classified as a Variant of Uncertain Significance.

GeneDx
Classification: Likely pathogenic. Last evaluated: 2016-11-30. Review status: criteria provided, single submitter. Criteria: GeneDx Variant Classification (06012015). Collection method: clinical testing. Allele origin: germline. Affected: yes.
Comment: The N163D variant in the EPM2A gene has not been reported previously as a pathogenic variant, nor as a benign variant, to our knowledge. The N163D variant was not observed in approximately 6,500 individuals of European and African American ancestry in the NHLBI Exome Sequencing Project, indicating it is not a common benign variant in these populations. The N163D variant is a semi-conservative amino acid substitution, which may impact secondary protein structure as these residues differ in some properties. This substitution occurs at a position that is not conserved. In silico analysis predicts this variant is probably damaging to the protein structure/function. The N163D variant is a strong candidate for a pathogenic variant, however the possibility it may be a rare benign variant cannot be excluded.

Literature cited by the submitters: PubMed 30041081 (cited by Labcorp Genetics (formerly Invitae), Labcorp).

NM_005670.4(EPM2A):c.487A>G (p.Asn163Asp)

Gene: EPM2A (EPM2A glucan phosphatase, laforin; minus strand). Cytogenetic location: 6q24.3.
Variant type: single nucleotide variant.
Coding change: c.487A>G on transcript NM_005670.4 (MANE Select); coding-DNA position 487, A replaced by G.
Protein change: p.Asn163Asp; replaces asparagine 163 with aspartic acid.
Molecular consequence: missense variant. On other transcripts: intron variant (1).
Genome position (GRCh38, 1-based): chr6:145,635,476, T>C on the plus strand (A>G on the coding strand, the complement: EPM2A is on the minus strand). VCF-style: chr6-145635476-T-C. GRCh37 (hg19) VCF-style: chr6-145956612-T-C.
Other names: NM_005670.4(EPM2A):c.487A>G; p.Asn163Asp; c.487A>G, p.Asn163Asp (NM_001018041.2, NM_001368130.1); c.73A>G, p.Asn25Asp (NM_001360064.2, NM_001360071.2, NM_001368131.1); c.25A>G, p.Asn9Asp (NM_001368129.2, NM_001368132.1); c.477-7783A>G (NM_001360057.2); short protein forms N163D, N25D, N9D.
Identifiers: ClinVar variation 373201 (VCV000373201.5), dbSNP rs777767978, ClinGen allele CA4035148.